The following is an entry in ClinVar:

ClinVar aggregate classification (germline): Pathogenic. Review status: criteria provided, multiple submitters, no conflicts (2 of 4 stars). 3 submissions from 2 submitters: Pathogenic (2). 1 of the submissions does not count toward it. Last evaluated 2024-03-17.

Conditions:
T-B+ severe combined immunodeficiency due to JAK3 deficiency. Also called: SCID, autosomal recessive, T-negative/B-positive type; SCID, T CELL-NEGATIVE, B CELL-POSITIVE, NK CELL-NEGATIVE. Identifiers: Orphanet 35078, MedGen C1833275, MONDO:0010938, OMIM 600802.

Submissions (3):

Genomic Medicine Center of Excellence, King Faisal Specialist Hospital and Research Centre
Classification: Pathogenic for T-B+ severe combined immunodeficiency due to JAK3 deficiency. Last evaluated: 2024-03-17. Review status: criteria provided, single submitter. Criteria: ACMG Guidelines, 2015. Collection method: research. Allele origin: germline.

Baylor Genetics
Classification: Pathogenic for T-B+ severe combined immunodeficiency due to JAK3 deficiency. Last evaluated: 2020-06-09. Review status: criteria provided, single submitter. Criteria: ACMG Guidelines, 2015. Collection method: clinical testing. Allele origin: unknown. Affected: yes.
Comment: This variant was determined to be pathogenic according to ACMG Guidelines, 2015 [PMID:25741868].

Genomic Medicine Center of Excellence, King Faisal Specialist Hospital and Research Centre
Classification: Likely pathogenic. Review status: flagged submission. Criteria: ACMG Guidelines, 2015. Collection method: research. Allele origin: germline. Affected: yes. Not counted in ClinVar's aggregate classification.
ClinVar note: Reason: This record appears to be redundant with a more recent record from the same submitter.
ClinVar note: Notes: SCV000221477 appears to be redundant with SCV004804668.

NM_000215.4(JAK3):c.913C>T (p.Gln305Ter)

Gene: JAK3 (Janus kinase 3; minus strand). Cytogenetic location: 19p13.11.
Variant type: single nucleotide variant.
Coding change: c.913C>T on transcript NM_000215.4 (MANE Select); coding-DNA position 913, C replaced by T.
Protein change: p.Gln305Ter; replaces glutamine 305 with a stop codon.
Molecular consequence: nonsense.
Genome position (GRCh38, 1-based): chr19:17,841,711, G>A on the plus strand (C>T on the coding strand, the complement: JAK3 is on the minus strand). VCF-style: chr19-17841711-G-A. GRCh37 (hg19) VCF-style: chr19-17952520-G-A.
Other names: short protein forms Q305*.
Identifiers: ClinVar variation 191101 (VCV000191101.4), dbSNP rs786205517, ClinGen allele CA236015.